The following is an entry in ClinVar:

ClinVar aggregate classification (germline): Likely benign. Review status: criteria provided, multiple submitters, no conflicts (2 of 4 stars). 2 submissions from 2 submitters: Likely benign (2). Last evaluated 2025-10-18.

Conditions:
ALG9 congenital disorder of glycosylation (CDG1L). Also called: ALG9-CDG; CDG Il; CONGENITAL DISORDER OF GLYCOSYLATION, TYPE Il. Identifiers: Orphanet 79328, MedGen C2931006, MONDO:0012117, OMIM 608776.

gnomAD v4.1: 5 of 1,599,790 alleles (0.00031%); highest among the groups gnomAD compares: Non-Finnish European, 0.00043%; no homozygotes.

Submissions (2):

Labcorp Genetics (formerly Invitae), Labcorp
Classification: Likely benign for ALG9 congenital disorder of glycosylation. Last evaluated: 2025-10-18. Review status: criteria provided, single submitter. Criteria: Invitae Variant Classification Sherloc (09022015). Collection method: clinical testing. Allele origin: germline.

GeneDx
Classification: Likely benign. Last evaluated: 2017-09-27. Review status: criteria provided, single submitter. Criteria: GeneDx Variant Classification (06012015). Collection method: clinical testing. Allele origin: germline. Affected: yes.
Comment: This variant is considered likely benign or benign based on one or more of the following criteria: it is a conservative change, it occurs at a poorly conserved position in the protein, it is predicted to be benign by multiple in silico algorithms, and/or has population frequency not consistent with disease.

NM_012463.4(ATP6V0A2):c.521+14C>G

Gene: ATP6V0A2 (ATPase H+ transporting V0 subunit a2; plus strand). Cytogenetic location: 12q24.31.
Variant type: single nucleotide variant.
Coding change: c.521+14C>G on transcript NM_012463.4 (MANE Select); 14 bases into the intron after coding-DNA position 521, C replaced by G.
Molecular consequence: intron variant.
Genome position (GRCh38, 1-based): chr12:123,726,299, C>G. VCF-style: chr12-123726299-C-G. GRCh37 (hg19) VCF-style: chr12-124210846-C-G.
Identifiers: ClinVar variation 512330 (VCV000512330.2), dbSNP rs747194853, ClinGen allele CA608097496.